The following is an entry in ClinVar:

ClinVar aggregate classification (germline): Uncertain significance. Review status: criteria provided, multiple submitters, no conflicts (2 of 4 stars). 2 submissions from 2 submitters: Uncertain significance (2). Last evaluated 2025-12-31.

Conditions:
Long QT syndrome (LQTS). Identifiers: MedGen C0023976, MeSH D008133, MONDO:0002442. Disease mechanism: loss of function. Inheritance: Various modes of inheritance.

Allele frequency attached by ClinVar (database versions not stated): gnomAD 0.00001; TOPMed 0.00001.
gnomAD v4.1: 4 of 1,551,896 alleles (0.00026%); highest among the groups gnomAD compares: East Asian, 0.0096%; no homozygotes.

Submissions (2):

Labcorp Genetics (formerly Invitae), Labcorp
Classification: Uncertain significance for Long QT syndrome. Last evaluated: 2025-12-31. Review status: criteria provided, single submitter. Criteria: Invitae Variant Classification Sherloc (09022015). Collection method: clinical testing. Allele origin: germline.
Comment: This sequence change replaces proline, which is neutral and non-polar, with arginine, which is basic and polar, at codon 1026 of the KCNH2 protein (p.Pro1026Arg). This variant is present in population databases (rs41307271, gnomAD 0.02%). This variant has not been reported in the literature in individuals affected with KCNH2-related conditions. ClinVar contains an entry for this variant (Variation ID: 3069829). An algorithm developed to predict the effect of missense changes on protein structure and function (PolyPhen-2) suggests that this variant is likely to be disruptive. In summary, the available evidence is currently insufficient to determine the role of this variant in disease. Therefore, it has been classified as a Variant of Uncertain Significance.

All of Us Research Program, National Institutes of Health
Classification: Uncertain significance for Long QT syndrome. Last evaluated: 2023-12-13. Review status: criteria provided, single submitter. Criteria: ACMG Guidelines, 2015. Collection method: clinical testing. Allele origin: germline. Inheritance: Autosomal dominant inheritance. Observed: 3 variant alleles, 3 heterozygotes.
Comment: This missense variant replaces proline with arginine at codon 1026 of the KCNH2 protein. Computational prediction suggests that this variant may have deleterious impact on protein structure and function (internally defined REVEL score threshold >= 0.7, PMID: 27666373). To our knowledge, functional studies have not been reported for this variant. This variant has been reported in an individual suspected of having epilepsy (PMID: 31696929). This variant has been identified in 3/180940 chromosomes in the general population by the Genome Aggregation Database (gnomAD). The available evidence is insufficient to determine the role of this variant in disease conclusively. Therefore, this variant is classified as a Variant of Uncertain Significance.

This study involves interpretation of variants in research participants for the purpose of population health screening. Participant phenotype was not available at the time of variant classification. Additional details can be found in publication PMID: 35346344, PMCID: PMC8962531

Literature cited by the submitters: PubMed 31696929 (cited by All of Us Research Program, National Institutes of Health).

NM_000238.4(KCNH2):c.3077C>G (p.Pro1026Arg)

Gene: KCNH2 (potassium voltage-gated channel subfamily H member 2; minus strand). Cytogenetic location: 7q36.1.
Variant type: single nucleotide variant.
Coding change: c.3077C>G on transcript NM_000238.4 (MANE Select); coding-DNA position 3077, C replaced by G.
Protein change: p.Pro1026Arg; replaces proline 1026 with arginine.
Molecular consequence: missense variant. On other transcripts: non-coding transcript variant (2).
Genome position (GRCh38, 1-based): chr7:150,947,403, G>C on the plus strand (C>G on the coding strand, the complement: KCNH2 is on the minus strand). VCF-style: chr7-150947403-G-C. GRCh37 (hg19) VCF-style: chr7-150644491-G-C.
Other names: c.2789C>G, p.Pro930Arg (NM_001406753.1); c.2057C>G, p.Pro686Arg (NM_172057.3); short protein forms P1026R, P686R, P930R.
Identifiers: ClinVar variation 3069829 (VCV003069829.2), dbSNP rs41307271, ClinGen allele CA036603.